The following is an entry in ClinVar:

NM_001848.3(COL6A1):c.1991A>G (p.Gln664Arg)

Gene: COL6A1 (collagen type VI alpha 1 chain; plus strand). Cytogenetic location: 21q22.3.
Variant type: single nucleotide variant.
Coding change: c.1991A>G on transcript NM_001848.3 (MANE Select); coding-DNA position 1991, A replaced by G.
Protein change: p.Gln664Arg; replaces glutamine 664 with arginine.
Molecular consequence: missense variant.
Genome position (GRCh38, 1-based): chr21:46,001,995, A>G. VCF-style: chr21-46001995-A-G. GRCh37 (hg19) VCF-style: chr21-47421909-A-G.
Other names: short protein forms Q664R.
Identifiers: ClinVar variation 3611151 (VCV003611151.2).

ClinVar aggregate classification (germline): Uncertain significance (1 of 4 stars; one submission).

Conditions:
Bethlem myopathy 1A. Also called: Bethlem myopathy 1; MYOPATHY, BENIGN CONGENITAL, WITH CONTRACTURES; Bethlem Muscular Dystrophy. Identifiers: Orphanet 610, MedGen CN029274, MONDO:0024530, OMIM 158810.

Submission:

Labcorp Genetics (formerly Invitae), Labcorp
Classification: Uncertain significance for Bethlem myopathy 1A. Last evaluated: 2024-09-18. Review status: criteria provided, single submitter. Criteria: Invitae Variant Classification Sherloc (09022015). Collection method: clinical testing. Allele origin: germline.
Comment: This sequence change replaces glutamine, which is neutral and polar, with arginine, which is basic and polar, at codon 664 of the COL6A1 protein (p.Gln664Arg). This variant is not present in population databases (gnomAD no frequency). This variant has not been reported in the literature in individuals affected with COL6A1-related conditions. Invitae Evidence Modeling of protein sequence and biophysical properties (such as structural, functional, and spatial information, amino acid conservation, physicochemical variation, residue mobility, and thermodynamic stability) indicates that this missense variant is not expected to disrupt COL6A1 protein function with a negative predictive value of 95%. In summary, the available evidence is currently insufficient to determine the role of this variant in disease. Therefore, it has been classified as a Variant of Uncertain Significance.